The following is an entry in ClinVar:

NM_004733.4(SLC33A1):c.136G>A (p.Glu46Lys)

Gene: SLC33A1 (solute carrier family 33 member 1; minus strand). Cytogenetic location: 3q25.31.
Variant type: single nucleotide variant.
Coding change: c.136G>A on transcript NM_004733.4 (MANE Select); coding-DNA position 136, G replaced by A.
Protein change: p.Glu46Lys; replaces glutamic acid 46 with lysine.
Molecular consequence: missense variant.
Genome position (GRCh38, 1-based): chr3:155,853,862, C>T on the plus strand (G>A on the coding strand, the complement: SLC33A1 is on the minus strand). VCF-style: chr3-155853862-C-T. GRCh37 (hg19) VCF-style: chr3-155571651-C-T.
Other names: c.136G>A, p.Glu46Lys (NM_001190992.2, NM_001363883.1); short protein forms E46K.
Identifiers: ClinVar variation 343883 (VCV000343883.62), dbSNP rs149571533, ClinGen allele CA2677450.

ClinVar aggregate classification (germline): Benign/Likely benign. Review status: criteria provided, multiple submitters, no conflicts (2 of 4 stars). 9 submissions from 9 submitters: Benign (3); Likely benign (3). 3 of the submissions do not count toward it. Last evaluated 2026-01-15.

Conditions:
Spastic paraplegia. Identifiers: MedGen C0037772, HP:0001258.
Hereditary spastic paraplegia. Also called: Familial spastic paraparesis. Identifiers: Orphanet 685, MedGen C0037773, MONDO:0019064. Disease mechanism: loss of function.
SLC33A1-related disorder. Also called: SLC33A1-related condition.

Allele frequency attached by ClinVar (database versions not stated): 1000 Genomes Project 0.00040; 1000 Genomes Project 30x 0.00047; TOPMed 0.00078; ESP Exome Variant Server 0.00100; gnomAD exomes 0.00173 and 0.00232; gnomAD 0.00182 and 0.00190; ExAC 0.00208.
gnomAD v4.1: 2,727 of 1,583,964 alleles (0.17%); highest among the groups gnomAD compares: Non-Finnish European, 0.14%; 6 homozygotes.

Submissions (9):

Labcorp Genetics (formerly Invitae), Labcorp
Classification: Benign for Spastic paraplegia. Last evaluated: 2026-01-15. Review status: criteria provided, single submitter. Criteria: Invitae Variant Classification Sherloc (09022015). Collection method: clinical testing. Allele origin: germline.

Blueprint Genetics
Classification: Likely benign. Last evaluated: 2024-11-20. Review status: criteria provided, single submitter. Criteria: ACMG Guidelines, 2015. Collection method: clinical testing. Allele origin: germline.

Athena Diagnostics
Classification: Benign. Last evaluated: 2024-06-10. Review status: criteria provided, single submitter. Criteria: Athena Diagnostics Criteria. Collection method: clinical testing. Allele origin: unknown.

CeGaT Center for Human Genetics Tuebingen
Classification: Likely benign. Last evaluated: 2023-06-01. Review status: criteria provided, single submitter. Criteria: CeGaT Center For Human Genetics Tuebingen Variant Classification Criteria Version 2. Collection method: clinical testing. Allele origin: germline. Affected: yes. Observed: 4 variant alleles.
Comment: SLC33A1: PP2, BS1

GeneDx
Classification: Benign. Last evaluated: 2020-01-06. Review status: criteria provided, single submitter. Criteria: GeneDx Variant Classification Process June 2021. Collection method: clinical testing. Allele origin: germline. Affected: yes.

Genome Diagnostics Laboratory, The Hospital for Sick Children
Classification: Likely benign for Hereditary spastic paraplegia. Last evaluated: 2019-04-01. Review status: criteria provided, single submitter. Criteria: ACMG Guidelines, 2015. Collection method: clinical testing. Allele origin: germline. Affected: yes.

PreventionGenetics, part of Exact Sciences
Classification: Benign for SLC33A1-related condition. Last evaluated: 2024-05-10. Review status: no assertion criteria provided. Collection method: clinical testing. Allele origin: germline. Not counted in ClinVar's aggregate classification.
Comment: This variant is classified as benign based on ACMG/AMP sequence variant interpretation guidelines (Richards et al. 2015 PMID: 25741868, with internal and published modifications).

Clinical Genetics DNA and cytogenetics Diagnostics Lab, Erasmus MC, Erasmus Medical Center
Classification: Likely benign. Review status: no assertion criteria provided. Collection method: clinical testing. Allele origin: germline. Affected: yes. Study: VKGL Data-share Consensus. Not counted in ClinVar's aggregate classification.

Joint Genome Diagnostic Labs from Nijmegen and Maastricht, Radboudumc and MUMC+
Classification: Benign. Review status: no assertion criteria provided. Collection method: clinical testing. Allele origin: germline. Affected: yes. Study: VKGL Data-share Consensus. Not counted in ClinVar's aggregate classification.

Literature cited by the submitters: PubMed 24215330 (cited by Athena Diagnostics); PubMed 29908077 (cited by Athena Diagnostics).